The following is an entry in ClinVar:

Conditions:
Breast-ovarian cancer, familial, susceptibility to, 1 (BROVCA1). Also called: BRCA1 Hereditary Breast and Ovarian Cancer; OVARIAN CANCER, SUSCEPTIBILITY TO. Identifiers: Orphanet 145, MedGen C2676676, MONDO:0011450, OMIM 604370. Disease mechanism: loss of function.

Submission:

Brotman Baty Institute, University of Washington
No classification provided (evidence only). Condition: Breast-ovarian cancer, familial 1. Review status: no classification provided. Collection method: in vitro. Allele origin: not applicable. Functional consequence: functionally_normal.
ClinVar note: "not provided" was previously submitted as the classification for the variant. However, the classification appeared to be based only on an observation of functional data so it was converted to no classification on 2025-07-30.

NM_007294.4(BRCA1):c.5062G>C (p.Val1688Leu)

Gene: BRCA1 (BRCA1 DNA repair associated; minus strand). Cytogenetic location: 17q21.31.
Variant type: single nucleotide variant.
Coding change: c.5062G>C on transcript NM_007294.4 (MANE Select); coding-DNA position 5062, G replaced by C.
Protein change: p.Val1688Leu; replaces valine 1688 with leucine.
Molecular consequence: missense variant. On other transcripts: non-coding transcript variant (1).
Genome position (GRCh38, 1-based): chr17:43,067,620, C>G on the plus strand (G>C on the coding strand, the complement: BRCA1 is on the minus strand). VCF-style: chr17-43067620-C-G. GRCh37 (hg19) VCF-style: chr17-41219637-C-G.
Other names: c.1741G>C, p.Val581Leu (NM_001408409.1); c.1678G>C, p.Val560Leu (NM_001408410.1); c.1675G>C, p.Val559Leu (NM_001408411.1); c.1633G>C, p.Val545Leu (NM_001408423.1, NM_001408424.1, NM_001408421.1 and 1 more transcripts); c.1630G>C, p.Val544Leu (NM_001408425.1, NM_001408426.1, NM_001408427.1 and 4 more transcripts); c.1627G>C, p.Val543Leu (NM_001408442.1, NM_001408443.1, NM_001408444.1 and 10 more transcripts); c.1624G>C, p.Val542Leu (NM_001408445.1, NM_001408446.1, NM_001408447.1 and 2 more transcripts); c.1618G>C, p.Val540Leu (NM_001408451.1); and 70 more; short protein forms V1641L, V1688L, V1709L, V584L, V1391L, V1392L, V1561L, V1575L.
Identifiers: ClinVar variation 868975 (VCV000868975.3), dbSNP rs2052159968, ClinGen allele CA10591396.
Genomic context (GRCh38, chr17:43,067,620, plus strand): 5'-GGTTTTATGCAGCAGATGCAAGGTATTCTGTAAAGGTTCTTGGTATACCTGTTTTCATAA[C>G]AACATGAGTAGTCTCTTCAGTAATTAGATTAGTTAAAGTGATGTGGTGTTTTCTGGCAAA-3'
Protein context (NP_009225.1, residues 1678-1698): NLITEETTHV[Val1688Leu]MKTDAEFVCE